The following is an entry in ClinVar:

ClinVar aggregate classification (germline): Uncertain significance (1 of 4 stars; one submission).

Submission:

Labcorp Genetics (formerly Invitae), Labcorp
Classification: Uncertain significance. Last evaluated: 2022-02-03. Review status: criteria provided, single submitter. Criteria: Invitae Variant Classification Sherloc (09022015). Collection method: clinical testing. Allele origin: germline.
Comment: This variant has not been reported in the literature in individuals affected with CTNNB1-related conditions. Algorithms developed to predict the effect of missense changes on protein structure and function (SIFT, PolyPhen-2, Align-GVGD) all suggest that this variant is likely to be tolerated. In summary, the available evidence is currently insufficient to determine the role of this variant in disease. Therefore, it has been classified as a Variant of Uncertain Significance. This variant is not present in population databases (gnomAD no frequency). This sequence change replaces isoleucine, which is neutral and non-polar, with leucine, which is neutral and non-polar, at codon 198 of the CTNNB1 protein (p.Ile198Leu).

NM_001904.4(CTNNB1):c.592A>C (p.Ile198Leu)

Genes: CTNNB1 (catenin beta 1; plus strand), LOC126806658 (BRD4-independent group 4 enhancer GRCh37_chr3:41265899-41267098; plus strand). Cytogenetic location: 3p22.1.
Variant type: single nucleotide variant.
Coding change: c.592A>C on transcript NM_001904.4 (MANE Select); coding-DNA position 592, A replaced by C.
Protein change: p.Ile198Leu; replaces isoleucine 198 with leucine.
Molecular consequence: missense variant.
Genome position (GRCh38, 1-based): chr3:41,225,430, A>C. VCF-style: chr3-41225430-A-C. GRCh37 (hg19) VCF-style: chr3-41266921-A-C.
Other names: c.592A>C, p.Ile198Leu (NM_001098209.2, NM_001098210.2); c.571A>C, p.Ile191Leu (NM_001330729.2); short protein forms I198L, I191L.
Identifiers: ClinVar variation 2057560 (VCV002057560.4), dbSNP rs982974494, ClinGen allele CA352229647.